The following is an entry in ClinVar:

NM_138694.4(PKHD1):c.5521G>T (p.Glu1841Ter)

Gene: PKHD1 (PKHD1 ciliary IPT domain containing fibrocystin/polyductin; minus strand). Cytogenetic location: 6p12.2.
Variant type: single nucleotide variant.
Coding change: c.5521G>T on transcript NM_138694.4 (MANE Select); coding-DNA position 5521, G replaced by T.
Protein change: p.Glu1841Ter; replaces glutamic acid 1841 with a stop codon.
Molecular consequence: nonsense.
Genome position (GRCh38, 1-based): chr6:52,017,489, C>A on the plus strand (G>T on the coding strand, the complement: PKHD1 is on the minus strand). VCF-style: chr6-52017489-C-A. GRCh37 (hg19) VCF-style: chr6-51882287-C-A.
Other names: c.5521G>T (NM_138694.3); c.5521G>T, p.Glu1841Ter (NM_170724.3); short protein forms E1841*.
Identifiers: ClinVar variation 2072056 (VCV002072056.6), dbSNP rs913487671, ClinGen allele CA364425618.

ClinVar aggregate classification (germline): Pathogenic/Likely pathogenic. Review status: criteria provided, multiple submitters, no conflicts (2 of 4 stars). 2 submissions from 2 submitters: Pathogenic (1); Likely pathogenic (1). Last evaluated 2025-06-12.

Conditions:
Autosomal recessive polycystic kidney disease (ARPKD). Also called: AR polycystic kidney disease. Identifiers: Orphanet 731, Orphanet 8378, MedGen C0085548, MeSH D017044, MONDO:0009889.

Submissions (2):

Labcorp Genetics (formerly Invitae), Labcorp
Classification: Pathogenic for Autosomal recessive polycystic kidney disease. Last evaluated: 2025-06-12. Review status: criteria provided, single submitter. Criteria: Invitae Variant Classification Sherloc (09022015). Collection method: clinical testing. Allele origin: germline.
Comment: This sequence change creates a premature translational stop signal (p.Glu1841*) in the PKHD1 gene. It is expected to result in an absent or disrupted protein product. Loss-of-function variants in PKHD1 are known to be pathogenic (PMID: 19940839). This variant is not present in population databases (gnomAD no frequency). This variant has not been reported in the literature in individuals affected with PKHD1-related conditions. ClinVar contains an entry for this variant (Variation ID: 2072056). For these reasons, this variant has been classified as Pathogenic.

Natera, Inc.
Classification: Likely pathogenic for Autosomal recessive polycystic kidney disease. Last evaluated: 2025-02-25. Review status: criteria provided, single submitter. Criteria: Natera Variant Classification Schema (03/2026). Collection method: clinical testing. Allele origin: germline.
Comment: The c.5521G>T variant in PKHD1 is a nonsense variant predicted to introduce a stop codon at amino acid 1841. This variant is expected to result in nonsense mediated decay, truncation, or a dysfunctional protein product. This variant is rare in the general population with a frequency below the threshold expected for the associated phenotype(s). Given the available evidence, this variant is classified as Likely Pathogenic.

Literature cited by the submitters: PubMed 19940839 (cited by Labcorp Genetics (formerly Invitae), Labcorp).